The following is an entry in ClinVar:

ClinVar aggregate classification (germline): Uncertain significance (1 of 4 stars; one submission).

Conditions:
Charcot-Marie-Tooth disease axonal type 2O. Also called: CHARCOT-MARIE-TOOTH NEUROPATHY, AXONAL, TYPE 2O; CHARCOT-MARIE-TOOTH DISEASE, AXONAL, AUTOSOMAL DOMINANT, TYPE 2O; Charcot-Marie-Tooth Neuropathy Type 2O; Charcot-Marie-Tooth disease, axonal, type 20. Identifiers: Orphanet 284232, MedGen C3280220, MONDO:0013644, OMIM 614228.

gnomAD v4.1: 1 of 1,613,666 alleles (0.000062%); highest among the groups gnomAD compares: Non-Finnish European, 0.000085%; no homozygotes.

Submission:

Labcorp Genetics (formerly Invitae), Labcorp
Classification: Uncertain significance for Charcot-Marie-Tooth disease axonal type 2O. Last evaluated: 2021-04-10. Review status: criteria provided, single submitter. Criteria: Invitae Variant Classification Sherloc (09022015). Collection method: clinical testing. Allele origin: germline.
Comment: This variant is not present in population databases (ExAC no frequency). This sequence change replaces isoleucine with leucine at codon 105 of the DYNC1H1 protein (p.Ile105Leu). The isoleucine residue is moderately conserved and there is a small physicochemical difference between isoleucine and leucine. This variant has not been reported in the literature in individuals with DYNC1H1-related conditions. In summary, the available evidence is currently insufficient to determine the role of this variant in disease. Therefore, it has been classified as a Variant of Uncertain Significance. Advanced modeling of protein sequence and biophysical properties (such as structural, functional, and spatial information, amino acid conservation, physicochemical variation, residue mobility, and thermodynamic stability) performed at Invitae indicates that this missense variant is not expected to disrupt DYNC1H1 protein function.

NM_001376.5(DYNC1H1):c.313A>T (p.Ile105Leu)

Gene: DYNC1H1 (dynein cytoplasmic 1 heavy chain 1; plus strand). Cytogenetic location: 14q32.31.
Variant type: single nucleotide variant.
Coding change: c.313A>T on transcript NM_001376.5 (MANE Select); coding-DNA position 313, A replaced by T.
Protein change: p.Ile105Leu; replaces isoleucine 105 with leucine.
Molecular consequence: missense variant.
Genome position (GRCh38, 1-based): chr14:101,975,768, A>T. VCF-style: chr14-101975768-A-T. GRCh37 (hg19) VCF-style: chr14-102442105-A-T.
Other names: short protein forms I105L.
Identifiers: ClinVar variation 1463388 (VCV001463388.8), dbSNP rs778763364, ClinGen allele CA391006328.
Genomic context (GRCh38, chr14:101,975,768, plus strand): 5'-GTAGAGGACGTCGGTGATGAAGGAGAAGAAGAAAAAGAATTCATTTCCTATAACATCAAC[A>T]TAGACATTCATTATGGGGTTAAATCCAATAGGTGAGTAGTACAAATATTACCATTATCTC-3'
Protein context (NP_001367.2, residues 95-115): EKEFISYNIN[Ile105Leu]DIHYGVKSNS